The following is an entry in ClinVar:

NM_016616.5(NME8):c.569C>T (p.Thr190Ile)

Gene: NME8 (NME/NM23 family member 8; plus strand). Cytogenetic location: 7p14.1.
Variant type: single nucleotide variant.
Coding change: c.569C>T on transcript NM_016616.5 (MANE Select); coding-DNA position 569, C replaced by T.
Protein change: p.Thr190Ile; replaces threonine 190 with isoleucine.
Molecular consequence: missense variant.
Genome position (GRCh38, 1-based): chr7:37,865,565, C>T. VCF-style: chr7-37865565-C-T. GRCh37 (hg19) VCF-style: chr7-37905167-C-T.
Other names: short protein forms T190I.
Identifiers: ClinVar variation 4745423 (VCV004745423.1).

ClinVar aggregate classification (germline): Uncertain significance (1 of 4 stars; one submission).

Conditions:
Primary ciliary dyskinesia 6. Also called: Primary Ciliary Dyskinesia 6: TXNDC3-Related Primary Ciliary Dyskinesia. Identifiers: Orphanet 244, MedGen C1970506, MONDO:0012571, OMIM 610852.

Submission:

Labcorp Genetics (formerly Invitae), Labcorp
Classification: Uncertain significance for Primary ciliary dyskinesia 6. Last evaluated: 2025-05-11. Review status: criteria provided, single submitter. Criteria: Invitae Variant Classification Sherloc (09022015). Collection method: clinical testing. Allele origin: germline.
Comment: This sequence change replaces threonine, which is neutral and polar, with isoleucine, which is neutral and non-polar, at codon 190 of the NME8 protein (p.Thr190Ile). This variant is not present in population databases (gnomAD no frequency). This variant has not been reported in the literature in individuals affected with NME8-related conditions. Invitae Evidence Modeling of protein sequence and biophysical properties (such as structural, functional, and spatial information, amino acid conservation, physicochemical variation, residue mobility, and thermodynamic stability) indicates that this missense variant is not expected to disrupt NME8 protein function with a negative predictive value of 80%. Algorithms developed to predict the effect of sequence changes on RNA splicing suggest that this variant may disrupt the consensus splice site. In summary, the available evidence is currently insufficient to determine the role of this variant in disease. Therefore, it has been classified as a Variant of Uncertain Significance.